The following is an entry in ClinVar:

ClinVar aggregate classification (germline): Uncertain significance. Review status: criteria provided, multiple submitters, no conflicts (2 of 4 stars). 4 submissions from 4 submitters: Uncertain significance (4). Last evaluated 2023-12-17.

Conditions:
Nephronophthisis. Also called: Juvenile Nephronophthisis. Identifiers: Orphanet 655, MedGen C0687120, MONDO:0019005, HP:0000090.
Renal-hepatic-pancreatic dysplasia 1 (RHPD1). Identifiers: MedGen C3715199, MONDO:0008833, OMIM 208540.
Nephronophthisis 3 (NPHP3). Also called: Adolescent nephronophthisis. Identifiers: Orphanet 655, MedGen C1858392, MONDO:0011456, OMIM 604387.
NPHP3-related Meckel-like syndrome. Also called: Meckel syndrome type 7; GOLDSTON SYNDROME. Identifiers: Orphanet 3032, MedGen C2673885, MONDO:0009966, OMIM 267010.
Inborn genetic diseases. Identifiers: MedGen C0950123, MeSH D030342.

Allele frequency attached by ClinVar (database versions not stated): gnomAD 0.00001; ExAC 0.00002; gnomAD exomes 0.00002; TOPMed 0.00002; ESP Exome Variant Server 0.00016.
gnomAD v4.1: 18 of 1,612,936 alleles (0.0011%); highest among the groups gnomAD compares: Non-Finnish European, 0.00034%; no homozygotes.

Submissions (4):

Ambry Genetics
Classification: Uncertain significance for Inborn genetic diseases. Last evaluated: 2023-12-17. Review status: criteria provided, single submitter. Criteria: Ambry Variant Classification Scheme 2023. Collection method: clinical testing. Allele origin: germline.

Labcorp Genetics (formerly Invitae), Labcorp
Classification: Uncertain significance for Nephronophthisis. Last evaluated: 2022-09-01. Review status: criteria provided, single submitter. Criteria: Invitae Variant Classification Sherloc (09022015). Collection method: clinical testing. Allele origin: germline.
Comment: This variant has not been reported in the literature in individuals affected with NPHP3-related conditions. This sequence change replaces glutamic acid, which is acidic and polar, with alanine, which is neutral and non-polar, at codon 108 of the NPHP3 protein (p.Glu108Ala). This variant is present in population databases (rs371290162, gnomAD 0.04%). ClinVar contains an entry for this variant (Variation ID: 597212). Algorithms developed to predict the effect of missense changes on protein structure and function are either unavailable or do not agree on the potential impact of this missense change (SIFT: "Tolerated"; PolyPhen-2: "Probably Damaging"; Align-GVGD: "Class C0"). In summary, the available evidence is currently insufficient to determine the role of this variant in disease. Therefore, it has been classified as a Variant of Uncertain Significance.

Fulgent Genetics
Classification: Uncertain significance for Renal-hepatic-pancreatic dysplasia 1; NPHP3-related Meckel-like syndrome; Nephronophthisis 3. Last evaluated: 2022-05-11. Review status: criteria provided, single submitter. Criteria: ACMG Guidelines, 2015. Collection method: clinical testing. Allele origin: unknown.

Eurofins Ntd Llc (ga)
Classification: Uncertain significance. Last evaluated: 2018-05-15. Review status: criteria provided, single submitter. Criteria: EGL ClinVar v180209 classification definitions. Collection method: clinical testing. Allele origin: germline. Observed: 1 variant allele, 1 heterozygote.

NM_153240.5(NPHP3):c.323A>C (p.Glu108Ala)

Genes: NPHP3-ACAD11 (NPHP3-ACAD11 readthrough (NMD candidate); minus strand), NPHP3 (nephrocystin 3; minus strand), NPHP3-AS1 (NPHP3 antisense RNA 1; plus strand). Cytogenetic location: 3q22.1.
Variant type: single nucleotide variant.
Coding change: c.323A>C on transcript NM_153240.5 (MANE Select); coding-DNA position 323, A replaced by C.
Protein change: p.Glu108Ala; replaces glutamic acid 108 with alanine.
Molecular consequence: missense variant. On other transcripts: non-coding transcript variant (3).
Genome position (GRCh38, 1-based): chr3:132,722,033, T>G on the plus strand (A>C on the coding strand, the complement: NPHP3 is on the minus strand). VCF-style: chr3-132722033-T-G. GRCh37 (hg19) VCF-style: chr3-132440877-T-G.
Other names: c.323A>C (NM_153240.4); short protein forms E108A.
Identifiers: ClinVar variation 597212 (VCV000597212.10), dbSNP rs371290162, ClinGen allele CA2622660.